The following is an entry in ClinVar:

NM_003839.4(TNFRSF11A):c.202T>C (p.Cys68Arg)

Gene: TNFRSF11A (TNF receptor superfamily member 11a; plus strand). Cytogenetic location: 18q21.33.
Variant type: single nucleotide variant.
Coding change: c.202T>C on transcript NM_003839.4 (MANE Select); coding-DNA position 202, T replaced by C.
Protein change: p.Cys68Arg; replaces cysteine 68 with arginine.
Molecular consequence: missense variant.
Genome position (GRCh38, 1-based): chr18:62,349,856, T>C. VCF-style: chr18-62349856-T-C. GRCh37 (hg19) VCF-style: chr18-60017089-T-C.
Other names: c.202T>C, p.Cys68Arg (NM_001270949.2, NM_001270950.2, NM_001270951.2 and 1 more transcripts); short protein forms C68R.
Identifiers: ClinVar variation 2692986 (VCV002692986.3), dbSNP rs959117011, ClinGen allele CA301689927.

ClinVar aggregate classification (germline): Uncertain significance (1 of 4 stars; one submission).

Allele frequency attached by ClinVar (database versions not stated): gnomAD 0.00001; TOPMed 0.00002.
gnomAD v4.1: 2 of 1,614,042 alleles (0.00012%); highest among the groups gnomAD compares: Non-Finnish European, 0.00017%; no homozygotes.

Submission:

Labcorp Genetics (formerly Invitae), Labcorp
Classification: Uncertain significance. Last evaluated: 2023-11-03. Review status: criteria provided, single submitter. Criteria: Invitae Variant Classification Sherloc (09022015). Collection method: clinical testing. Allele origin: germline.
Comment: This sequence change replaces cysteine, which is neutral and slightly polar, with arginine, which is basic and polar, at codon 68 of the TNFRSF11A protein (p.Cys68Arg). This variant is present in population databases (no rsID available, gnomAD 0.002%). This variant has not been reported in the literature in individuals affected with TNFRSF11A-related conditions. Advanced modeling of protein sequence and biophysical properties (such as structural, functional, and spatial information, amino acid conservation, physicochemical variation, residue mobility, and thermodynamic stability) performed at Invitae indicates that this missense variant is expected to disrupt TNFRSF11A protein function with a positive predictive value of 80%. In summary, the available evidence is currently insufficient to determine the role of this variant in disease. Therefore, it has been classified as a Variant of Uncertain Significance.